The following is an entry in ClinVar:

NM_000322.5(PRPH2):c.640T>G (p.Cys214Gly)

Gene: PRPH2 (peripherin 2; minus strand). Cytogenetic location: 6p21.1.
Variant type: single nucleotide variant.
Coding change: c.640T>G on transcript NM_000322.5 (MANE Select); coding-DNA position 640, T replaced by G.
Protein change: p.Cys214Gly; replaces cysteine 214 with glycine.
Molecular consequence: missense variant.
Genome position (GRCh38, 1-based): chr6:42,704,553, A>C on the plus strand (T>G on the coding strand, the complement: PRPH2 is on the minus strand). VCF-style: chr6-42704553-A-C. GRCh37 (hg19) VCF-style: chr6-42672291-A-C.
Other names: short protein forms C214G.
Identifiers: ClinVar variation 3635279 (VCV003635279.3).
Genomic context (GRCh38, chr6:42,704,553, plus strand): 5'-AGTGTGCTGAGTTGTTGGTGATCTGATACTGGATGCAGGGCCGTGGCGAGCTAGGATTGC[A>C]GCAGCTGAAAGGGACGCCGTCCACCAGGTACCGCCCATCCACGTTGCTCTTGATTCGACT-3'
Protein context (NP_000313.2, residues 204-224): YLVDGVPFSC[Cys214Gly]NPSSPRPCIQ

ClinVar aggregate classification (germline): Likely pathogenic. Review status: criteria provided, multiple submitters, no conflicts (2 of 4 stars). 2 submissions from 2 submitters: Likely pathogenic (2). Last evaluated 2026-01-08.

Conditions:
PRPH2-related disorder. Also called: PRPH2-related disorders; PRPH2-related condition. Identifiers: MedGen CN239395.

Submissions (2):

3billion
Classification: Likely pathogenic for PRPH2-related disorder. Last evaluated: 2026-01-08. Review status: criteria provided, single submitter. Criteria: ACMG Guidelines, 2015. Collection method: clinical testing. Allele origin: germline. Affected: yes.
Comment: The variant is not observed in the gnomAD v4.1.0 dataset. Predicted Consequence/Location: The variant is located in a mutational hot spot and/or well-established functional domain in which established pathogenic variants have been reported (PMID: 38474159). In silico tool predictions suggest damaging effect of the variant on gene or gene product [REVEL: 0.96 (>=0.6, sensitivity 0.68 and specificity 0.92); 3Cnet: 0.97 (> 0.75, sensitivity 0.96 and precision 0.92)]. The same nucleotide change resulting in the same amino acid change has been previously reported to be associated with PRPH2-related disorder (ClinVar ID: VCV003635279). Different missense changes at the same codon (p.Cys214Arg, p.Cys214Ser, p.Cys214Trp, p.Cys214Tyr) have been reported as pathogenic/likely pathogenic with strong evidence (ClinVar ID: VCV000098693, VCV000098694, VCV001346950 /PMID: 11139263, 36563963, 8244346). Therefore, this variant is classified as Likely pathogenic according to the recommendation of ACMG/AMP guideline.

Labcorp Genetics (formerly Invitae), Labcorp
Classification: Likely pathogenic for PRPH2-related disorder. Last evaluated: 2024-10-30. Review status: criteria provided, single submitter. Criteria: Invitae Variant Classification Sherloc (09022015). Collection method: clinical testing. Allele origin: germline.
Comment: This sequence change replaces cysteine, which is neutral and slightly polar, with glycine, which is neutral and non-polar, at codon 214 of the PRPH2 protein (p.Cys214Gly). This variant is not present in population databases (gnomAD no frequency). This variant has not been reported in the literature in individuals affected with PRPH2-related conditions. Invitae Evidence Modeling of protein sequence and biophysical properties (such as structural, functional, and spatial information, amino acid conservation, physicochemical variation, residue mobility, and thermodynamic stability) indicates that this missense variant is expected to disrupt PRPH2 protein function with a positive predictive value of 95%. This variant disrupts the p.Cys214 amino acid residue in PRPH2. Other variant(s) that disrupt this residue have been determined to be pathogenic (PMID: 34327195). This suggests that this residue is clinically significant, and that variants that disrupt this residue are likely to be disease-causing. In summary, the currently available evidence indicates that the variant is pathogenic, but additional data are needed to prove that conclusively. Therefore, this variant has been classified as Likely Pathogenic.

Literature cited by the submitters: PubMed 11139263 (cited by 3billion); PubMed 34327195 (cited by Labcorp Genetics (formerly Invitae), Labcorp).